The following is an entry in ClinVar:

ClinVar aggregate classification (germline): Conflicting classifications of pathogenicity. Review status: criteria provided, conflicting classifications (1 of 4 stars). 8 submissions from 7 submitters: Uncertain significance (5); Likely benign (2). 1 of the submissions does not count toward it. Last evaluated 2026-08-14.

Conditions:
NDUFV1-related disorder. Also called: NDUFV1-related disorders; NDUFV1-related condition.
Leigh syndrome (NULS). Also called: Leigh's syndrome; Leigh's necrotizing encephalopathy; Leigh's disease; Subacute necrotizing encephalopathy; Necrotizing encephalopathy infantile subacute of Leigh; Leigh Syndrome (mtDNA deletion). Identifiers: Orphanet 506, MedGen C2931891, MONDO:0009723, OMIM 256000.
Mitochondrial complex I deficiency, nuclear type 1. Also called: NADH-COENZYME Q REDUCTASE DEFICIENCY; MITOCHONDRIAL NADH DEHYDROGENASE COMPONENT OF COMPLEX I, DEFICIENCY OF. Identifiers: MedGen C6022305, MONDO:0100224, OMIM 252010.

Allele frequency attached by ClinVar (database versions not stated): ESP Exome Variant Server 0.00039; gnomAD exomes 0.00045 and 0.00048; gnomAD 0.00050 and 0.00055; ExAC 0.00053; TOPMed 0.00062.
gnomAD v4.1: 785 of 1,603,410 alleles (0.049%); highest among the groups gnomAD compares: Admixed American, 0.16%; no homozygotes.

Submissions (8):

GeneDx
Classification: Uncertain significance. Last evaluated: 2026-08-14. Review status: criteria provided, single submitter. Criteria: GeneDx Variant Classification Process June 2021. Collection method: clinical testing. Allele origin: germline.
Comment: In silico analysis supports that this missense variant has a deleterious effect on protein structure/function; Has not been previously published as pathogenic or benign to our knowledge

Labcorp Genetics (formerly Invitae), Labcorp
Classification: Likely benign. Last evaluated: 2026-02-02. Review status: criteria provided, single submitter. Criteria: Invitae Variant Classification Sherloc (09022015). Collection method: clinical testing. Allele origin: germline.

Blueprint Genetics
Classification: Likely benign. Last evaluated: 2024-11-27. Review status: criteria provided, single submitter. Criteria: ACMG Guidelines, 2015. Collection method: clinical testing. Allele origin: germline.

Mayo Clinic Laboratories, Mayo Clinic
Classification: Uncertain significance. Last evaluated: 2024-02-02. Review status: criteria provided, single submitter. Criteria: ACMG Guidelines, 2015. Collection method: clinical testing. Allele origin: germline. Observed: 2 variant alleles.
Comment: BS1

CeGaT Center for Human Genetics Tuebingen
Classification: Uncertain significance. Last evaluated: 2021-10-01. Review status: criteria provided, single submitter. Criteria: CeGaT Center For Human Genetics Tuebingen Variant Classification Criteria Version 2. Collection method: clinical testing. Allele origin: germline. Affected: yes. Observed: 2 variant alleles.

Illumina Laboratory Services, Illumina
Classification: Uncertain significance for Leigh syndrome. Last evaluated: 2018-01-12. Review status: criteria provided, single submitter. Criteria: ICSL Variant Classification Criteria 13 December 2019. Collection method: clinical testing. Allele origin: germline.

Illumina Laboratory Services, Illumina
Classification: Uncertain significance for Mitochondrial complex I deficiency, nuclear type 1. Last evaluated: 2018-01-12. Review status: criteria provided, single submitter. Criteria: ICSL Variant Classification Criteria 13 December 2019. Collection method: clinical testing. Allele origin: germline.

PreventionGenetics, part of Exact Sciences
Classification: Likely benign for NDUFV1-related condition. Last evaluated: 2022-04-20. Review status: no assertion criteria provided. Collection method: clinical testing. Allele origin: germline. Not counted in ClinVar's aggregate classification.
Comment: This variant is classified as likely benign based on ACMG/AMP sequence variant interpretation guidelines (Richards et al. 2015 PMID: 25741868, with internal and published modifications).

NM_007103.4(NDUFV1):c.1075C>T (p.Arg359Cys)

Gene: NDUFV1 (NADH:ubiquinone oxidoreductase core subunit V1; plus strand). Cytogenetic location: 11q13.2.
Variant type: single nucleotide variant.
Coding change: c.1075C>T on transcript NM_007103.4 (MANE Select); coding-DNA position 1075, C replaced by T.
Protein change: p.Arg359Cys; replaces arginine 359 with cysteine.
Molecular consequence: missense variant.
Genome position (GRCh38, 1-based): chr11:67,611,564, C>T. VCF-style: chr11-67611564-C-T. GRCh37 (hg19) VCF-style: chr11-67379035-C-T.
Other names: p.Arg359Cys; c.1048C>T, p.Arg350Cys (NM_001166102.2); short protein forms R359C, R350C.
Identifiers: ClinVar variation 305753 (VCV000305753.63), dbSNP rs142499054, ClinGen allele CA6143373.
Genomic context (GRCh38, chr11:67,611,564, plus strand): 5'-TTCGATGCGCTGGTGCAGGCACAGACAGGCCTGGGCACAGCTGCGGTGATCGTCATGGAC[C>T]GCTCGGTAAGGGTTCACACACCAGCCCTGGTCCCTGCCCTCCTGGTTGCTGTCTCCCTCC-3'
Protein context (NP_009034.2, residues 349-369): LGTAAVIVMD[Arg359Cys]STDIVKAIAR